The following is an entry in ClinVar:

NM_022552.5(DNMT3A):c.1298A>T (p.Lys433Ile)

Gene: DNMT3A (DNA methyltransferase 3 alpha; minus strand). Cytogenetic location: 2p23.3.
Variant type: single nucleotide variant.
Coding change: c.1298A>T on transcript NM_022552.5 (MANE Select); coding-DNA position 1298, A replaced by T.
Protein change: p.Lys433Ile; replaces lysine 433 with isoleucine.
Molecular consequence: missense variant. On other transcripts: non-coding transcript variant (1).
Genome position (GRCh38, 1-based): chr2:25,246,291, T>A on the plus strand (A>T on the coding strand, the complement: DNMT3A is on the minus strand). VCF-style: chr2-25246291-T-A. GRCh37 (hg19) VCF-style: chr2-25469160-T-A.
Other names: c.842A>T, p.Lys281Ile (NM_001320893.1); c.629A>T, p.Lys210Ile (NM_001375819.1); c.731A>T, p.Lys244Ile (NM_153759.3); c.1298A>T, p.Lys433Ile (NM_175629.2); short protein forms K244I, K433I, K210I, K281I.
Identifiers: ClinVar variation 4617770 (VCV004617770.1).

ClinVar aggregate classification (germline): Uncertain significance (1 of 4 stars; one submission).

Conditions:
Inborn genetic diseases. Identifiers: MedGen C0950123, MeSH D030342.

Submission:

Ambry Genetics
Classification: Uncertain significance for Inborn genetic diseases. Last evaluated: 2025-10-25. Review status: criteria provided, single submitter. Criteria: Ambry Variant Classification Scheme 2023. Collection method: clinical testing. Allele origin: germline.
Comment: The p.K433I variant (also known as c.1298A>T), located in coding exon 10 of the DNMT3A gene, results from an A to T substitution at nucleotide position 1298. The lysine at codon 433 is replaced by isoleucine, an amino acid with dissimilar properties. This amino acid position is conserved. In addition, the in silico prediction for this alteration is inconclusive. Based on the available evidence, the clinical significance of this variant remains unclear.